The following is an entry in ClinVar:

NM_001374353.1(GLI2):c.3022T>A (p.Ser1008Thr)

Gene: GLI2 (GLI family zinc finger 2; plus strand). Cytogenetic location: 2q14.2.
Variant type: single nucleotide variant.
Coding change: c.3022T>A on transcript NM_001374353.1 (MANE Select); coding-DNA position 3022, T replaced by A.
Protein change: p.Ser1008Thr; replaces serine 1008 with threonine.
Molecular consequence: missense variant.
Genome position (GRCh38, 1-based): chr2:120,988,987, T>A. VCF-style: chr2-120988987-T-A. GRCh37 (hg19) VCF-style: chr2-121746563-T-A.
Other names: c.3073T>A, p.Ser1025Thr (NM_001371271.1, NM_005270.5); c.2647T>A, p.Ser883Thr (NM_001374354.1); short protein forms S1008T, S1025T, S883T.
Identifiers: ClinVar variation 5036955 (VCV005036955.1).

ClinVar aggregate classification (germline): Uncertain significance (1 of 4 stars; one submission).

Submission:

GeneDx
Classification: Uncertain significance. Last evaluated: 2026-04-10. Review status: criteria provided, single submitter. Criteria: GeneDx Variant Classification Process June 2021. Collection method: clinical testing. Allele origin: germline.
Comment: Not observed at significant frequency in large population cohorts (gnomAD); In silico analysis suggests that this missense variant does not alter protein structure/function; Has not been previously published as pathogenic or benign to our knowledge